The following is an entry in ClinVar:

ClinVar aggregate classification (germline): Uncertain significance. Review status: criteria provided, multiple submitters, no conflicts (2 of 4 stars). 2 submissions from 2 submitters: Uncertain significance (2). Last evaluated 2025-05-04.

Conditions:
Hereditary cancer-predisposing syndrome. Also called: Tumor predisposition; Neoplastic Syndromes, Hereditary; Hereditary Cancer Syndrome; Hereditary neoplastic syndrome. Identifiers: Orphanet 140162, MedGen C0027672, MeSH D009386, MONDO:0015356.
Tumor predisposition syndrome 3 (TPDS3). Also called: Melanoma, cutaneous malignant, susceptibility to, 10; Glioma susceptibility 9; LONG TELOMERE SYNDROME, POT1-RELATED; POT1 Tumor Predisposition. Identifiers: Orphanet 618, MedGen C4014476, MONDO:0014368, OMIM 615848.

Submissions (2):

Labcorp Genetics (formerly Invitae), Labcorp
Classification: Uncertain significance for Tumor predisposition syndrome 3. Last evaluated: 2025-05-04. Review status: criteria provided, single submitter. Criteria: Invitae Variant Classification Sherloc (09022015). Collection method: clinical testing. Allele origin: germline.
Comment: This sequence change replaces glycine, which is neutral and non-polar, with glutamic acid, which is acidic and polar, at codon 267 of the POT1 protein (p.Gly267Glu). This variant is not present in population databases (gnomAD no frequency). This variant has not been reported in the literature in individuals affected with POT1-related conditions. ClinVar contains an entry for this variant (Variation ID: 1405581). Invitae Evidence Modeling of protein sequence and biophysical properties (such as structural, functional, and spatial information, amino acid conservation, physicochemical variation, residue mobility, and thermodynamic stability) indicates that this missense variant is not expected to disrupt POT1 protein function with a negative predictive value of 80%. In summary, the available evidence is currently insufficient to determine the role of this variant in disease. Therefore, it has been classified as a Variant of Uncertain Significance.

Ambry Genetics
Classification: Uncertain significance for Hereditary cancer-predisposing syndrome. Last evaluated: 2020-03-11. Review status: criteria provided, single submitter. Criteria: Ambry Variant Classification Scheme 2023. Collection method: clinical testing. Allele origin: germline.
Comment: The p.G267E variant (also known as c.800G>A), located in coding exon 6 of the POT1 gene, results from a G to A substitution at nucleotide position 800. The glycine at codon 267 is replaced by glutamic acid, an amino acid with similar properties. This amino acid position is highly conserved in available vertebrate species. In addition, this alteration is predicted to be deleterious by in silico analysis. Since supporting evidence is limited at this time, the clinical significance of this alteration remains unclear.

NM_015450.3(POT1):c.800G>A (p.Gly267Glu)

Gene: POT1 (protection of telomeres 1; minus strand). Cytogenetic location: 7q31.33.
Variant type: single nucleotide variant.
Coding change: c.800G>A on transcript NM_015450.3 (MANE Select); coding-DNA position 800, G replaced by A.
Protein change: p.Gly267Glu; replaces glycine 267 with glutamic acid.
Molecular consequence: missense variant. On other transcripts: non-coding transcript variant (3).
Genome position (GRCh38, 1-based): chr7:124,853,041, C>T on the plus strand (G>A on the coding strand, the complement: POT1 is on the minus strand). VCF-style: chr7-124853041-C-T. GRCh37 (hg19) VCF-style: chr7-124493095-C-T.
Other names: c.407G>A, p.Gly136Glu (NM_001042594.2); short protein forms G136E, G267E.
Identifiers: ClinVar variation 1405581 (VCV001405581.10), dbSNP rs2116504781, ClinGen allele CA369055405.